The following is an entry in ClinVar:

NM_002617.4(PEX10):c.601-3C>T

Gene: PEX10 (peroxisomal biogenesis factor 10; minus strand). Cytogenetic location: 1p36.32.
Variant type: single nucleotide variant.
Coding change: c.601-3C>T on transcript NM_002617.4 (MANE Select); 3 bases into the intron before coding-DNA position 601, C replaced by T.
Molecular consequence: intron variant. On other transcripts: nonsense (3).
Genome position (GRCh38, 1-based): chr1:2,406,898, G>A on the plus strand (C>T on the coding strand, the complement: PEX10 is on the minus strand). VCF-style: chr1-2406898-G-A. GRCh37 (hg19) VCF-style: chr1-2338337-G-A.
Other names: c.655C>T, p.Gln219Ter (NM_001374425.1); c.223C>T, p.Gln75Ter (NM_001374426.1); c.658C>T, p.Gln220Ter (NM_153818.2); c.169-3C>T (NM_001374427.1); short protein forms Q220*, Q219*, Q75*.
Identifiers: ClinVar variation 967267 (VCV000967267.7), dbSNP rs369643163, ClinGen allele CA337985805.

ClinVar aggregate classification (germline): Pathogenic/Likely pathogenic. Review status: criteria provided, multiple submitters, no conflicts (2 of 4 stars). 2 submissions from 2 submitters: Pathogenic (1); Likely pathogenic (1). Last evaluated 2019-11-15.

Conditions:
PEX10-related disorder. Also called: PEX10-related condition.
Peroxisome biogenesis disorder, complementation group 7 (CG7). Also called: Peroxisome biogenesis disorder, complementation group B. Identifiers: MedGen C1864399.

gnomAD v4.1: 1 of 1,608,034 alleles (0.000062%); highest among the groups gnomAD compares: Non-Finnish European, 0.000085%; no homozygotes.

Submissions (2):

Labcorp Genetics (formerly Invitae), Labcorp
Classification: Pathogenic for Peroxisome biogenesis disorder, complementation group 7. Last evaluated: 2019-11-15. Review status: criteria provided, single submitter. Criteria: Invitae Variant Classification Sherloc (09022015). Collection method: clinical testing. Allele origin: germline.
Comment: This sequence change creates a premature translational stop signal (p.Gln220*) in the PEX10 gene. It is expected to result in an absent or disrupted protein product. This variant is not present in population databases (ExAC no frequency). This variant has not been reported in the literature in individuals with PEX10-related conditions. Loss-of-function variants in PEX10 are known to be pathogenic (PMID: 9683594, 10862081, 21031596). For these reasons, this variant has been classified as Pathogenic.

Blueprint Genetics
Classification: Likely pathogenic for PEX10-related disorders. Last evaluated: 2017-11-17. Review status: criteria provided, single submitter. Criteria: ACMG Guidelines, 2015. Collection method: clinical testing. Allele origin: germline. Affected: yes. Observed: 1 variant allele.

Literature cited by the submitters: PubMed 9683594 (cited by Labcorp Genetics (formerly Invitae), Labcorp); PubMed 10862081 (cited by Labcorp Genetics (formerly Invitae), Labcorp); PubMed 21031596 (cited by Labcorp Genetics (formerly Invitae), Labcorp).